The following is an entry in ClinVar:

ClinVar aggregate classification (germline): Conflicting classifications of pathogenicity. Review status: criteria provided, conflicting classifications (1 of 4 stars). 4 submissions from 4 submitters: Uncertain significance (2); Likely benign (2). Last evaluated 2025-12-24.

Conditions:
Atypical hemolytic-uremic syndrome with MCP/CD46 anomaly. Also called: HEMOLYTIC UREMIC SYNDROME, ATYPICAL, SUSCEPTIBILITY TO, 2; AHUS, SUSCEPTIBILITY TO, 2. Identifiers: Orphanet 2134, MedGen C2752040, MONDO:0013040, OMIM 612922.
Atypical hemolytic-uremic syndrome. Identifiers: Orphanet 2134, MedGen C2931788, MONDO:0016244.

Allele frequency attached by ClinVar (database versions not stated): gnomAD 0.00004 and 0.00009; gnomAD exomes 0.00007 and 0.00019; TOPMed 0.00013; ExAC 0.00024; 1000 Genomes Project 30x 0.00078; 1000 Genomes Project 0.00100.
gnomAD v4.1: 115 of 1,594,674 alleles (0.0072%); highest among the groups gnomAD compares: East Asian, 0.25%; 1 homozygote.

Submissions (4):

Labcorp Genetics (formerly Invitae), Labcorp
Classification: Likely benign. Last evaluated: 2025-12-24. Review status: criteria provided, single submitter. Criteria: Invitae Variant Classification Sherloc (09022015). Collection method: clinical testing. Allele origin: germline.

Genomenon, Inc
Classification: Likely benign for Atypical hemolytic-uremic syndrome. Last evaluated: 2025-10-02. Review status: criteria provided, single submitter. Criteria: Genomenon Sequence Variant Interpretation Standards. Collection method: curation. Allele origin: germline. Affected: yes.
Comment: CD46 p.Thr98Ile (c.293C>T) is a missense variant that changes the amino acid at residue 98 from Threonine to Isoleucine. This variant has been observed in at least one proband affected with atypical hemolytic-uremic syndrome (PMID:29511899;27064621;30905589;31945341). The variant was found to segregate with disease in at least one affected family (PMID:29511899). Functional studies have been reported; however, the significance of the findings remain unclear (PMID:31945341). In silico models agree that this variant is not damaging. This variant’s allele frequency in gnomAD is greater than expected for this disorder. In conclusion, we classify CD46 p.Thr98Ile (c.293C>T) as a likely benign variant.

Mayo Clinic Laboratories, Mayo Clinic
Classification: Uncertain significance. Last evaluated: 2023-05-10. Review status: criteria provided, single submitter. Criteria: ACMG Guidelines, 2015. Collection method: clinical testing. Allele origin: germline. Observed: 1 variant allele.
Comment: BP4

Illumina Laboratory Services, Illumina
Classification: Uncertain significance for Atypical hemolytic-uremic syndrome with MCP/CD46 anomaly. Last evaluated: 2017-04-30. Review status: criteria provided, single submitter. Criteria: ICSL Variant Classification Criteria 13 December 2019. Collection method: clinical testing. Allele origin: germline.
Comment: This variant was observed as part of a predisposition screen in an ostensibly healthy population. A literature search was performed for the gene, cDNA change, and amino acid change (where applicable). Publications were found based on this search. However, the evidence from the literature, in combination with allele frequency data from public databases where available, was not sufficient to rule this variant in or out of causing disease. Therefore, this variant is classified as a variant of unknown significance.

Literature cited by the submitters: PubMed 29511899 (cited by Genomenon, Inc and Mayo Clinic Laboratories, Mayo Clinic); PubMed 27064621 (cited by Genomenon, Inc and Mayo Clinic Laboratories, Mayo Clinic); PubMed 30905589 (cited by Genomenon, Inc and Mayo Clinic Laboratories, Mayo Clinic); PubMed 31945341 (cited by Genomenon, Inc and Mayo Clinic Laboratories, Mayo Clinic); PubMed 29566171 (cited by Mayo Clinic Laboratories, Mayo Clinic); PubMed 270646 (cited by Illumina Laboratory Services, Illumina).

NM_172351.3(CD46):c.293C>T (p.Thr98Ile)

Gene: CD46 (CD46 molecule; plus strand). Cytogenetic location: 1q32.2.
Variant type: single nucleotide variant.
Coding change: c.293C>T on transcript NM_172351.3 (MANE Select); coding-DNA position 293, C replaced by T.
Protein change: p.Thr98Ile; replaces threonine 98 with isoleucine.
Molecular consequence: missense variant.
Genome position (GRCh38, 1-based): chr1:207,757,546, C>T. VCF-style: chr1-207757546-C-T. GRCh37 (hg19) VCF-style: chr1-207930891-C-T.
Other names: p.Thr98Ile; c.293C>T, p.Thr98Ile (NM_002389.4, NM_153826.4, NM_172350.3 and 8 more transcripts); short protein forms T98I.
Identifiers: ClinVar variation 875711 (VCV000875711.14), dbSNP rs116800126, ClinGen allele CA1371587.